The following is an entry in ClinVar:

ClinVar aggregate classification (germline): Benign. Review status: criteria provided, multiple submitters, no conflicts (2 of 4 stars). 9 submissions from 9 submitters: Benign (6). 3 of the submissions do not count toward it. Last evaluated 2026-02-04.

Conditions:
Marfan syndrome (MFS). Also called: MARFAN SYNDROME, TYPE I; FBN1-Related Marfan Syndrome; Marfan syndrome, classic; Marfan syndrome type 1; Marfan's syndrome. Identifiers: Orphanet 284963, Orphanet 558, MedGen C0024796, MONDO:0007947, OMIM 154700.
Familial thoracic aortic aneurysm and aortic dissection (TAAD). Also called: Thoracic aortic aneurysms and dissections. Identifiers: Orphanet 91387, MedGen C4707243, MONDO:0019625.

Submissions (9):

Labcorp Genetics (formerly Invitae), Labcorp
Classification: Benign for Marfan syndrome; Familial thoracic aortic aneurysm and aortic dissection. Last evaluated: 2026-02-04. Review status: criteria provided, single submitter. Criteria: Invitae Variant Classification Sherloc (09022015). Collection method: clinical testing. Allele origin: germline.

ARUP Laboratories, Molecular Genetics and Genomics, ARUP Laboratories
Classification: Benign. Last evaluated: 2025-07-31. Review status: criteria provided, single submitter. Criteria: ARUP Molecular Germline Variant Investigation Process 2024. Collection method: clinical testing. Allele origin: germline.

Blueprint Genetics
Classification: Benign. Last evaluated: 2024-11-28. Review status: criteria provided, single submitter. Criteria: ACMG Guidelines, 2015. Collection method: clinical testing. Allele origin: germline.

All of Us Research Program, National Institutes of Health
Classification: Benign for Marfan syndrome. Last evaluated: 2024-10-02. Review status: criteria provided, single submitter. Criteria: ACMG Guidelines, 2015. Collection method: clinical testing. Allele origin: germline. Inheritance: Autosomal dominant inheritance. Observed: 57,806 variant alleles, 57,774 homozygotes, 32 hemizygotes.
Comment: This study involves interpretation of variants in research participants for the purpose of population health screening. Participant phenotype was not available at the time of variant classification. Additional details can be found in publication PMID: 35346344, PMCID: PMC8962531

Ambry Genetics
Classification: Benign for Thoracic aortic aneurysms and aortic dissections. Last evaluated: 2015-08-07. Review status: criteria provided, single submitter. Criteria: Ambry Autosomal Dominant and X-Linked criteria (10/2015). Collection method: clinical testing. Allele origin: germline. Observed: 1 variant allele.

Breakthrough Genomics
Classification: Benign. Review status: criteria provided, single submitter. Criteria: ACMG Guidelines, 2015. Collection method: not provided. Allele origin: germline. Inheritance: Autosomal dominant inheritance. Affected: yes.

Laboratory for Molecular Medicine, Mass General Brigham Personalized Medicine
No classification provided. Last evaluated: 2015-03-09. Review status: no classification provided. Collection method: clinical testing. Allele origin: germline. Observed: 44 variant alleles. Not counted in ClinVar's aggregate classification.

Diagnostic Laboratory, Department of Genetics, University Medical Center Groningen
Classification: Benign. Review status: no assertion criteria provided. Collection method: clinical testing. Allele origin: germline. Affected: yes. Study: VKGL Data-share Consensus. Not counted in ClinVar's aggregate classification.

Genome Diagnostics Laboratory, Amsterdam University Medical Center
Classification: Benign. Review status: no assertion criteria provided. Collection method: clinical testing. Allele origin: germline. Affected: yes. Study: VKGL Data-share Consensus. Not counted in ClinVar's aggregate classification.

NM_000138.5(FBN1):c.1415= (p.Tyr472=)

Gene: FBN1 (fibrillin 1; minus strand). Cytogenetic location: 15q21.1.
Variant type: single nucleotide variant.
Coding change: c.1415= on transcript NM_000138.5 (MANE Select); coding-DNA position 1415, no change from the reference sequence.
Protein change: p.Tyr472=; no amino-acid change (tyrosine 472 retained).
Molecular consequence: no sequence alteration.
Genome position: GRCh38 VCF-style: chr15-48515440-T-T. GRCh37 (hg19) VCF-style: chr15-48807637-C-T.
Identifiers: ClinVar variation 228314 (VCV000228314.32), dbSNP rs113936729.